The following is an entry in ClinVar:

ClinVar aggregate classification (germline): Uncertain significance. Review status: criteria provided, multiple submitters, no conflicts (2 of 4 stars). 2 submissions from 2 submitters: Uncertain significance (2). Last evaluated 2026-07-09.

Conditions:
LRSAM1-related disorder. Also called: LRSAM1-related condition.
Charcot-Marie-Tooth disease axonal type 2P. Also called: CHARCOT-MARIE-TOOTH NEUROPATHY, TYPE 2P; CHARCOT-MARIE-TOOTH DISEASE, AXONAL, TYPE 2G; CMT 2G; Charcot-Marie-Tooth Neuropathy Type 2G. Identifiers: Orphanet 300319, Orphanet 99941, MedGen C3280797, MONDO:0013753, OMIM 614436.

Allele frequency attached by ClinVar (database versions not stated): gnomAD exomes below 0.00001; TOPMed below 0.00001; ExAC 0.00001.
gnomAD v4.1: 17 of 1,613,816 alleles (0.0011%); highest among the groups gnomAD compares: Non-Finnish European, 0.0014%; no homozygotes.

Submissions (2):

PreventionGenetics, part of Exact Sciences
Classification: Uncertain significance for LRSAM1-related condition. Last evaluated: 2026-07-09. Review status: criteria provided, single submitter. Criteria: ACMG Guidelines, 2015. Collection method: clinical testing. Allele origin: germline.
Comment: The LRSAM1 c.262C>A variant is predicted to result in the amino acid substitution p.Leu88Ile. To our knowledge, this variant has not been reported in the literature. This variant is reported in 0.00088% of alleles in individuals of European (non-Finnish) descent in gnomAD. At this time, the clinical significance of this variant is uncertain due to the absence of conclusive functional and genetic evidence.

Labcorp Genetics (formerly Invitae), Labcorp
Classification: Uncertain significance for Charcot-Marie-Tooth disease axonal type 2P. Last evaluated: 2022-01-26. Review status: criteria provided, single submitter. Criteria: Invitae Variant Classification Sherloc (09022015). Collection method: clinical testing. Allele origin: germline.
Comment: In summary, the available evidence is currently insufficient to determine the role of this variant in disease. Therefore, it has been classified as a Variant of Uncertain Significance. Algorithms developed to predict the effect of missense changes on protein structure and function are either unavailable or do not agree on the potential impact of this missense change (SIFT: "Deleterious"; PolyPhen-2: "Probably Damaging"; Align-GVGD: "Class C0"). This variant has not been reported in the literature in individuals affected with LRSAM1-related conditions. The frequency data for this variant in the population databases is considered unreliable, as metrics indicate poor data quality at this position in the gnomAD database. This sequence change replaces leucine, which is neutral and non-polar, with isoleucine, which is neutral and non-polar, at codon 88 of the LRSAM1 protein (p.Leu88Ile).

NM_001005373.4(LRSAM1):c.262C>A (p.Leu88Ile)

Gene: LRSAM1 (leucine rich repeat and sterile alpha motif containing 1; plus strand). Cytogenetic location: 9q33.3.
Variant type: single nucleotide variant.
Coding change: c.262C>A on transcript NM_001005373.4 (MANE Select); coding-DNA position 262, C replaced by A.
Protein change: p.Leu88Ile; replaces leucine 88 with isoleucine.
Molecular consequence: missense variant. On other transcripts: 5 prime UTR variant (1), non-coding transcript variant (2).
Genome position (GRCh38, 1-based): chr9:127,459,012, C>A. VCF-style: chr9-127459012-C-A. GRCh37 (hg19) VCF-style: chr9-130221291-C-A.
Other names: c.262C>A, p.Leu88Ile (NM_001005374.4, NM_001190723.3, NM_001384142.1 and 2 more transcripts); c.-523C>A (NM_001384144.1); short protein forms L88I.
Identifiers: ClinVar variation 1415651 (VCV001415651.7), dbSNP rs757094037, ClinGen allele CA5246481.